The following is an entry in ClinVar:

NM_144997.7(FLCN):c.1300+5G>A

Gene: FLCN (folliculin; minus strand). Cytogenetic location: 17p11.2.
Variant type: single nucleotide variant.
Coding change: c.1300+5G>A on transcript NM_144997.7 (MANE Select); 5 bases into the intron after coding-DNA position 1300, G replaced by A.
Molecular consequence: intron variant.
Genome position (GRCh38, 1-based): chr17:17,216,375, C>T on the plus strand (G>A on the coding strand, the complement: FLCN is on the minus strand). VCF-style: chr17-17216375-C-T. GRCh37 (hg19) VCF-style: chr17-17119689-C-T.
Other names: c.1300+5G>A (LRG_325t1, NM_001353231.2, NM_001353230.2); c.1354+5G>A (NM_001353229.2).
Identifiers: ClinVar variation 409400 (VCV000409400.8), dbSNP rs746264578, ClinGen allele CA16615104.

ClinVar aggregate classification (germline): Uncertain significance. Review status: criteria provided, multiple submitters, no conflicts (2 of 4 stars). 2 submissions from 2 submitters: Uncertain significance (2). Last evaluated 2025-07-30.

Conditions:
Hereditary cancer-predisposing syndrome. Also called: Hereditary neoplastic syndrome; Neoplastic Syndromes, Hereditary; Tumor predisposition; Hereditary Cancer Syndrome. Identifiers: Orphanet 140162, MedGen C0027672, MeSH D009386, MONDO:0015356.
Birt-Hogg-Dube syndrome. Also called: Birt Hogg Dubé syndrome. Identifiers: Orphanet 122, MedGen C0346010, MONDO:0800444.

Allele frequency attached by ClinVar (database versions not stated): gnomAD exomes below 0.00001 and 0.00001; gnomAD 0.00001; TOPMed 0.00001.
gnomAD v4.1: 5 of 1,613,106 alleles (0.00031%); highest among the groups gnomAD compares: East Asian, 0.0045%; no homozygotes.

Submissions (2):

Labcorp Genetics (formerly Invitae), Labcorp
Classification: Uncertain significance for Birt-Hogg-Dube syndrome. Last evaluated: 2025-07-30. Review status: criteria provided, single submitter. Criteria: Invitae Variant Classification Sherloc (09022015). Collection method: clinical testing. Allele origin: germline.
Comment: This sequence change falls in intron 11 of the FLCN gene. It does not directly change the encoded amino acid sequence of the FLCN protein. RNA analysis indicates that this variant induces altered splicing and may result in an absent or altered protein product. This variant is present in population databases (no rsID available, gnomAD 0.01%). This variant has been observed in individual(s) with clinical features of Birt-Hogg-Dubé (BHD) syndrome (PMID: 36410626). ClinVar contains an entry for this variant (Variation ID: 409400). Variants that disrupt the consensus splice site are a relatively common cause of aberrant splicing (PMID: 17576681, 9536098). Studies have shown that this variant results in skipping of exon 11, and produces a non-functional protein and/or introduces a premature termination codon (PMID: 36410626; internal data). In summary, the available evidence is currently insufficient to determine the role of this variant in disease. Therefore, it has been classified as a Variant of Uncertain Significance.

Ambry Genetics
Classification: Uncertain significance for Hereditary cancer-predisposing syndrome. Last evaluated: 2024-10-16. Review status: criteria provided, single submitter. Criteria: Ambry Variant Classification Scheme 2023. Collection method: clinical testing. Allele origin: germline.
Comment: The c.1300+5G>A intronic variant results from a G to A substitution 5 nucleotides after coding exon 8 in the FLCN gene. This variant has been reported in an individual with spontaneous pnuemothorax and pulmonary cysts (Zhang X et al. J Mol Diagn . 2023 Feb;25(2):110-120). Based on data from gnomAD, the frequency for this variant is above the maximum credible frequency for a disease-causing variant in this gene based on internally established thresholds (Karczewski et al. Nature. 2020 May;581(7809):434-443; Whiffin et al. Genet Med. 2017 10;19:1151-1158). This nucleotide position is not well conserved in available vertebrate species. In silico splice site analysis for this alteration is inconclusive. RNA studies have demonstrated that this alteration results in a splice defect; the clinical impact of this abnormal splicing is unknown at this time (Ambry internal data; Zhang X et al. J Mol Diagn, 2023 Feb;25:110-120). Based on the available evidence, the clinical significance of this alteration remains unclear.

Literature cited by the submitters: PubMed 36410626 (cited by Labcorp Genetics (formerly Invitae), Labcorp and Ambry Genetics); PubMed 17576681 (cited by Labcorp Genetics (formerly Invitae), Labcorp); PubMed 9536098 (cited by Labcorp Genetics (formerly Invitae), Labcorp).